The following is an entry in ClinVar:

ClinVar aggregate classification (germline): Benign/Likely benign. Review status: criteria provided, multiple submitters, no conflicts (2 of 4 stars). 3 submissions from 3 submitters: Benign (1); Likely benign (2). Last evaluated 2025-09-15.

Allele frequency attached by ClinVar (database versions not stated): gnomAD exomes 0.00008; ExAC 0.00024; gnomAD 0.00074; 1000 Genomes Project 30x 0.00078; 1000 Genomes Project 0.00080; ESP Exome Variant Server 0.00092; TOPMed 0.00092.
gnomAD v4.1: 225 of 1,614,136 alleles (0.014%); highest among the groups gnomAD compares: African/African-American, 0.27%; no homozygotes.

Submissions (3):

Labcorp Genetics (formerly Invitae), Labcorp
Classification: Benign. Last evaluated: 2025-09-15. Review status: criteria provided, single submitter. Criteria: Invitae Variant Classification Sherloc (09022015). Collection method: clinical testing. Allele origin: germline.

Blueprint Genetics
Classification: Likely benign. Last evaluated: 2024-06-20. Review status: criteria provided, single submitter. Criteria: ACMG Guidelines, 2015. Collection method: clinical testing. Allele origin: germline.

CeGaT Center for Human Genetics Tuebingen
Classification: Likely benign. Last evaluated: 2023-12-01. Review status: criteria provided, single submitter. Criteria: CeGaT Center For Human Genetics Tuebingen Variant Classification Criteria Version 2. Collection method: clinical testing. Allele origin: germline. Affected: yes. Observed: 1 variant allele.
Comment: BPTF: BP4, BP7, BS1

NM_182641.4(BPTF):c.4863A>T (p.Ala1621=)

Gene: BPTF (bromodomain PHD finger transcription factor; plus strand). Cytogenetic location: 17q24.2.
Variant type: single nucleotide variant.
Coding change: c.4863A>T on transcript NM_182641.4 (MANE Select); coding-DNA position 4863, A replaced by T.
Protein change: p.Ala1621=; no amino-acid change (alanine 1621 retained).
Molecular consequence: synonymous variant.
Genome position (GRCh38, 1-based): chr17:67,912,747, A>T. VCF-style: chr17-67912747-A-T. GRCh37 (hg19) VCF-style: chr17-65908863-A-T.
Other names: c.5241A>T, p.Ala1747= (NM_004459.7).
Identifiers: ClinVar variation 2064468 (VCV002064468.27), dbSNP rs139756948, ClinGen allele CA8725872.